The following is an entry in ClinVar:

NM_004036.5(ADCY3):c.10A>C (p.Asn4His)

Gene: ADCY3 (adenylate cyclase 3; minus strand). Cytogenetic location: 2p23.3.
Variant type: single nucleotide variant.
Coding change: c.10A>C on transcript NM_004036.5 (MANE Select); coding-DNA position 10, A replaced by C.
Protein change: p.Asn4His; replaces asparagine 4 with histidine.
Molecular consequence: missense variant.
Genome position (GRCh38, 1-based): chr2:24,918,978, T>G on the plus strand (A>C on the coding strand, the complement: ADCY3 is on the minus strand). VCF-style: chr2-24918978-T-G. GRCh37 (hg19) VCF-style: chr2-25141847-T-G.
Other names: c.10A>C, p.Asn4His (NM_001320613.2, NM_001377128.1, NM_001377129.1 and 2 more transcripts); short protein forms N4H.
Identifiers: ClinVar variation 5002285 (VCV005002285.1).

ClinVar aggregate classification (germline): Uncertain significance (1 of 4 stars; one submission).

Conditions:
ADCY3-related disorder. Also called: ADCY3-related condition.

Submission:

PreventionGenetics, part of Exact Sciences
Classification: Uncertain significance for ADCY3-related condition. Last evaluated: 2024-10-10. Review status: criteria provided, single submitter. Criteria: ACMG Guidelines, 2015. Collection method: clinical testing. Allele origin: germline.
Comment: The ADCY3 c.10A>C variant is predicted to result in the amino acid substitution p.Asn4His. To our knowledge, this variant has not been reported in the literature or in a large population database (gnomAD), indicating this variant is rare. At this time, the clinical significance of this variant is uncertain due to the absence of conclusive functional and genetic evidence.